The following is an entry in ClinVar:

NM_001161352.2(KCNMA1):c.378+771G>C

Gene: KCNMA1 (potassium calcium-activated channel subfamily M alpha 1; minus strand). Cytogenetic location: 10q22.3.
Variant type: single nucleotide variant.
Coding change: c.378+771G>C on transcript NM_001161352.2 (MANE Select); 771 bases into the intron after coding-DNA position 378, G replaced by C.
Molecular consequence: intron variant. On other transcripts: 3 prime UTR variant (2), missense variant (1), synonymous variant (1).
Genome position (GRCh38, 1-based): chr10:77,636,494, C>G on the plus strand (G>C on the coding strand, the complement: KCNMA1 is on the minus strand). VCF-style: chr10-77636494-C-G. GRCh37 (hg19) VCF-style: chr10-79396252-C-G.
Other names: c.378+771G>C (NM_001322836.2, NM_001271519.2, NM_001322837.2 and 8 more transcripts); c.400G>C (NM_001271522.1); c.*67G>C (NM_001271521.2); c.400G>C, p.Glu134Gln (NM_001271522.2); c.567G>C, p.Arg189= (NM_001322839.2); c.*249G>C (NM_001271520.2); short protein forms E134Q.
Identifiers: ClinVar variation 1213584 (VCV001213584.6), dbSNP rs139968359, ClinGen allele CA5568736.

ClinVar aggregate classification (germline): Likely benign. Review status: criteria provided, multiple submitters, no conflicts (2 of 4 stars). 3 submissions from 3 submitters: Likely benign (2). 1 of the submissions does not count toward it. Last evaluated 2018-07-17.

Conditions:
KCNMA1-related disorder. Also called: KCNMA1-related condition; KCNMA1-related disorders.

Allele frequency attached by ClinVar (database versions not stated): gnomAD exomes 0.00342 and 0.00738; ExAC 0.00824; gnomAD 0.01007 and 0.01011; TOPMed 0.01111; 1000 Genomes Project 0.01558; 1000 Genomes Project 30x 0.01593.
gnomAD v4.1: 6,536 of 1,536,198 alleles (0.43%); highest among the groups gnomAD compares: East Asian, 3.9%; 76 homozygotes.

Submissions (3):

GeneDx
Classification: Likely benign. Last evaluated: 2018-07-17. Review status: criteria provided, single submitter. Criteria: GeneDx Variant Classification Process June 2021. Collection method: clinical testing. Allele origin: germline. Affected: yes.

Breakthrough Genomics
Classification: Likely benign. Review status: criteria provided, single submitter. Criteria: ACMG Guidelines, 2015. Collection method: not provided. Allele origin: germline. Inheritance: Autosomal recessive inheritance. Affected: yes.

PreventionGenetics, part of Exact Sciences
Classification: Benign for KCNMA1-related condition. Last evaluated: 2019-06-21. Review status: no assertion criteria provided. Collection method: clinical testing. Allele origin: germline. Not counted in ClinVar's aggregate classification.
Comment: This variant is classified as benign based on ACMG/AMP sequence variant interpretation guidelines (Richards et al. 2015 PMID: 25741868, with internal and published modifications).